The following is an entry in ClinVar:

NM_013275.6(ANKRD11):c.275G>A (p.Arg92Gln)

Gene: ANKRD11 (ankyrin repeat domain 11; minus strand). Cytogenetic location: 16q24.3.
Variant type: single nucleotide variant.
Coding change: c.275G>A on transcript NM_013275.6 (MANE Select); coding-DNA position 275, G replaced by A.
Protein change: p.Arg92Gln; replaces arginine 92 with glutamine.
Molecular consequence: missense variant. On other transcripts: non-coding transcript variant (1).
Genome position (GRCh38, 1-based): chr16:89,291,135, C>T on the plus strand (G>A on the coding strand, the complement: ANKRD11 is on the minus strand). VCF-style: chr16-89291135-C-T. GRCh37 (hg19) VCF-style: chr16-89357543-C-T.
Other names: c.275G>A, p.Arg92Gln (NM_001256182.2, NM_001256183.2); short protein forms R92Q.
Identifiers: ClinVar variation 733593 (VCV000733593.28), dbSNP rs143894223, ClinGen allele CA8243134.

ClinVar aggregate classification (germline): Benign/Likely benign. Review status: criteria provided, multiple submitters, no conflicts (2 of 4 stars). 5 submissions from 5 submitters: Benign (3); Likely benign (2). Last evaluated 2026-01-01.

Conditions:
KBG syndrome (KBGS). Also called: ANKRD11-Related KBG Syndrome. Identifiers: Orphanet 2332, MedGen C0220687, MONDO:0007846, OMIM 148050.

Allele frequency attached by ClinVar (database versions not stated): gnomAD exomes 0.00013 and 0.00026; ExAC 0.00017; gnomAD 0.00020; TOPMed 0.00022; ESP Exome Variant Server 0.00023.
gnomAD v4.1: 233 of 1,613,844 alleles (0.014%); highest among the groups gnomAD compares: Non-Finnish European, 0.0031%; no homozygotes.

Submissions (5):

CeGaT Center for Human Genetics Tuebingen
Classification: Likely benign. Last evaluated: 2026-01-01. Review status: criteria provided, single submitter. Criteria: CeGaT Center For Human Genetics Tuebingen Variant Classification Criteria Version 2. Collection method: clinical testing. Allele origin: germline. Affected: yes. Observed: 2 variant alleles.
Comment: ANKRD11: BS1

Labcorp Genetics (formerly Invitae), Labcorp
Classification: Benign for KBG syndrome. Last evaluated: 2025-09-10. Review status: criteria provided, single submitter. Criteria: Invitae Variant Classification Sherloc (09022015). Collection method: clinical testing. Allele origin: germline.

Blueprint Genetics
Classification: Likely benign. Last evaluated: 2024-04-08. Review status: criteria provided, single submitter. Criteria: ACMG Guidelines, 2015. Collection method: clinical testing. Allele origin: germline.

Genome-Nilou Lab
Classification: Benign for KBG syndrome. Last evaluated: 2021-12-05. Review status: criteria provided, single submitter. Criteria: ACMG Guidelines, 2015. Collection method: clinical testing. Allele origin: germline. Affected: no.

GeneDx
Classification: Benign. Last evaluated: 2020-07-28. Review status: criteria provided, single submitter. Criteria: GeneDx Variant Classification Process June 2021. Collection method: clinical testing. Allele origin: germline. Affected: yes.